The following is an entry in ClinVar:

ClinVar aggregate classification (germline): Likely benign. Review status: criteria provided, single submitter (1 of 4 stars). 2 submissions from 2 submitters: Likely benign (1). 1 of the submissions does not count toward it. Last evaluated 2024-11-13.

Conditions:
TUB-related disorder. Also called: TUB-related condition.

Allele frequency attached by ClinVar (database versions not stated): ESP Exome Variant Server 0.00008.
gnomAD v4.1: 21 of 1,608,326 alleles (0.0013%); highest among the groups gnomAD compares: African/African-American, 0.0053%; no homozygotes.

Submissions (2):

Labcorp Genetics (formerly Invitae), Labcorp
Classification: Likely benign. Last evaluated: 2024-11-13. Review status: criteria provided, single submitter. Criteria: Invitae Variant Classification Sherloc (09022015). Collection method: clinical testing. Allele origin: germline.

PreventionGenetics, part of Exact Sciences
Classification: Likely benign for TUB-related condition. Last evaluated: 2024-02-13. Review status: no assertion criteria provided. Collection method: clinical testing. Allele origin: germline. Not counted in ClinVar's aggregate classification.
Comment: This variant is classified as likely benign based on ACMG/AMP sequence variant interpretation guidelines (Richards et al. 2015 PMID: 25741868, with internal and published modifications).

NM_177972.3(TUB):c.531C>T (p.Ser177=)

Genes: RIC3 (RIC3 acetylcholine receptor chaperone; minus strand), TUB (TUB bipartite transcription factor; plus strand). Cytogenetic location: 11p15.4.
Variant type: single nucleotide variant.
Coding change: c.531C>T on transcript NM_177972.3 (MANE Select); coding-DNA position 531, C replaced by T.
Protein change: p.Ser177=; no amino-acid change (serine 177 retained).
Molecular consequence: synonymous variant.
Genome position (GRCh38, 1-based): chr11:8,095,631, C>T. VCF-style: chr11-8095631-C-T. GRCh37 (hg19) VCF-style: chr11-8117178-C-T.
Other names: c.696C>T (NM_003320.4); c.696C>T, p.Ser232= (NM_003320.5).
Identifiers: ClinVar variation 2417690 (VCV002417690.9), dbSNP rs371256163, ClinGen allele CA5871123.